The following is an entry in ClinVar:

NM_001329752.2(TIMCC):c.356G>C (p.Trp119Ser)

Gene: TIMCC (TIM double twin CX3C motif chaperone; minus strand). Cytogenetic location: 2p13.3.
Variant type: single nucleotide variant.
Coding change: c.356G>C on transcript NM_001329752.2 (MANE Select); coding-DNA position 356, G replaced by C.
Protein change: p.Trp119Ser; replaces tryptophan 119 with serine.
Molecular consequence: missense variant. On other transcripts: intron variant (5).
Genome position (GRCh38, 1-based): chr2:70,301,656, C>G on the plus strand (G>C on the coding strand, the complement: TIMCC is on the minus strand). VCF-style: chr2-70301656-C-G. GRCh37 (hg19) VCF-style: chr2-70528788-C-G.
Other names: c.87+269G>C (NM_032822.3); c.-88-53G>C (NM_001329758.2); c.-202-53G>C (NM_001329757.2); c.-629-53G>C (NM_001329755.2); c.342+14G>C (NM_001329753.2); short protein forms W119S.
Identifiers: ClinVar variation 3035381 (VCV003035381.3), dbSNP rs552744004, ClinGen allele CA1698541.

ClinVar aggregate classification (germline): Likely benign. Review status: criteria provided, single submitter (1 of 4 stars). 2 submissions from 2 submitters: Likely benign (1). 1 of the submissions does not count toward it. Last evaluated 2024-09-13.

Conditions:
FAM136A-related disorder. Also called: FAM136A-related condition.

Allele frequency attached by ClinVar (database versions not stated): ExAC 0.00043; gnomAD 0.00287; TOPMed 0.00293; 1000 Genomes Project 0.00339; 1000 Genomes Project 30x 0.00359.

Submissions (2):

Blueprint Genetics
Classification: Likely benign. Last evaluated: 2024-09-13. Review status: criteria provided, single submitter. Criteria: ACMG Guidelines, 2015. Collection method: clinical testing. Allele origin: germline.

PreventionGenetics, part of Exact Sciences
Classification: Benign for FAM136A-related condition. Last evaluated: 2019-07-30. Review status: no assertion criteria provided. Collection method: clinical testing. Allele origin: germline. Not counted in ClinVar's aggregate classification.
Comment: This variant is classified as benign based on ACMG/AMP sequence variant interpretation guidelines (Richards et al. 2015 PMID: 25741868, with internal and published modifications).